The following is an entry in ClinVar:

NM_014112.5(TRPS1):c.3832G>A (p.Gly1278Ser)

Gene: TRPS1 (transcriptional repressor GATA binding 1; minus strand). Cytogenetic location: 8q23.3.
Variant type: single nucleotide variant.
Coding change: c.3832G>A on transcript NM_014112.5 (MANE Select); coding-DNA position 3832, G replaced by A.
Protein change: p.Gly1278Ser; replaces glycine 1278 with serine.
Molecular consequence: missense variant.
Genome position (GRCh38, 1-based): chr8:115,414,076, C>T on the plus strand (G>A on the coding strand, the complement: TRPS1 is on the minus strand). VCF-style: chr8-115414076-C-T. GRCh37 (hg19) VCF-style: chr8-116426304-C-T.
Other names: c.3805G>A, p.Gly1269Ser (NM_001282902.3); c.3811G>A, p.Gly1271Ser (NM_001282903.3); c.3793G>A, p.Gly1265Ser (NM_001330599.2); short protein forms G1265S, G1269S, G1271S, G1278S.
Identifiers: ClinVar variation 3572808 (VCV003572808.1).

ClinVar aggregate classification (germline): Uncertain significance (1 of 4 stars; one submission).

Submission:

GeneDx
Classification: Uncertain significance. Last evaluated: 2024-07-11. Review status: criteria provided, single submitter. Criteria: GeneDx Variant Classification Process June 2021. Collection method: clinical testing. Allele origin: germline. Affected: yes.
Comment: Not observed at significant frequency in large population cohorts (gnomAD); In silico analysis supports that this missense variant has a deleterious effect on protein structure/function; Has not been previously published as pathogenic or benign to our knowledge